The following is an entry in ClinVar:

NM_007294.4(BRCA1):c.944G>A (p.Arg315Lys)

Gene: BRCA1 (BRCA1 DNA repair associated; minus strand). Cytogenetic location: 17q21.31.
Variant type: single nucleotide variant.
Coding change: c.944G>A on transcript NM_007294.4 (MANE Select); coding-DNA position 944, G replaced by A.
Protein change: p.Arg315Lys; replaces arginine 315 with lysine.
Molecular consequence: missense variant. On other transcripts: intron variant (137).
Genome position (GRCh38, 1-based): chr17:43,094,587, C>T on the plus strand (G>A on the coding strand, the complement: BRCA1 is on the minus strand). VCF-style: chr17-43094587-C-T. GRCh37 (hg19) VCF-style: chr17-41246604-C-T.
Other names: c.734G>A, p.Arg245Lys (NM_001407902.1, NM_001407907.1, NM_001407909.1 and 13 more transcripts); c.731G>A, p.Arg244Lys (NM_001407915.1, NM_001407853.1, NM_001407894.1 and 9 more transcripts); c.941G>A, p.Arg314Lys (NM_001407590.1, NM_001407591.1, NM_001407610.1 and 22 more transcripts); c.944G>A, p.Arg315Lys (NM_001407593.1, NM_001407594.1, NM_001407596.1 and 30 more transcripts); c.935G>A, p.Arg312Lys (NM_001407646.1, NM_001407647.1); c.821G>A, p.Arg274Lys (NM_001407648.1, NM_001407664.1, NM_001407665.1 and 19 more transcripts); c.818G>A, p.Arg273Lys (NM_001407649.1, NM_001407670.1, NM_001407671.1 and 11 more transcripts); c.866G>A, p.Arg289Lys (NM_001407653.1, NM_001407654.1, NM_001407655.1 and 4 more transcripts); and 40 more; short protein forms R315K, R268K, R187K, R19K, R203K, R204K, R226K, R267K.
Identifiers: ClinVar variation 441447 (VCV000441447.8), dbSNP rs1555592792, ClinGen allele CA10600182.

ClinVar aggregate classification (germline): Conflicting classifications of pathogenicity. Review status: criteria provided, conflicting classifications (1 of 4 stars). 2 submissions from 2 submitters: Uncertain significance (1); Likely benign (1). Last evaluated 2023-03-23.

Conditions:
Hereditary cancer-predisposing syndrome. Also called: Hereditary Cancer Syndrome; Hereditary neoplastic syndrome; Neoplastic Syndromes, Hereditary; Tumor predisposition. Identifiers: Orphanet 140162, MedGen C0027672, MeSH D009386, MONDO:0015356.

Submissions (2):

University of Washington Department of Laboratory Medicine, University of Washington
Classification: Likely benign for Hereditary cancer-predisposing syndrome. Last evaluated: 2023-03-23. Review status: criteria provided, single submitter. Criteria: Dines et al. (Genet Med. 2020). Collection method: curation. Allele origin: germline.
Comment: Missense variant in a coldspot region where missense variants are very unlikely to be pathogenic (PMID:31911673).

BRCA1 coldspot (exon 11 using historical exon numbering). Reclassification based on statistical prior probability

Ambry Genetics
Classification: Uncertain significance for Hereditary cancer-predisposing syndrome. Last evaluated: 2016-11-11. Review status: criteria provided, single submitter. Criteria: Ambry Variant Classification Scheme 2023. Collection method: clinical testing. Allele origin: germline.
Comment: The p.R315K variant (also known as c.944G>A), located in coding exon 9 of the BRCA1 gene, results from a G to A substitution at nucleotide position 944. The arginine at codon 315 is replaced by lysine, an amino acid with highly similar properties. This variant was not reported in population based cohorts in the following databases: Database of Single Nucleotide Polymorphisms (dbSNP), NHLBI Exome Sequencing Project (ESP), and 1000 Genomes Project. In the ESP, this variant was not observed in 6503 samples (13006 alleles) with coverage at this position. To date, this alteration has been detected with an allele frequency of approximately 0.0003% (greater than 300000 alleles tested) in our clinical cohort. This amino acid position is not well conserved in available vertebrate species. In addition, the in silico prediction for this alteration is inconclusive. Since supporting evidence is limited at this time, the clinical significance of this alteration remains unclear.